The following is an entry in ClinVar:

ClinVar aggregate classification (germline): Uncertain significance (1 of 4 stars; one submission).

Conditions:
Hereditary spastic paraplegia 4. Also called: Spastic Paraplegia 4; Spastic paraplegia 4, autosomal dominant; Familial spastic paraplegia autosomal dominant 2. Identifiers: Orphanet 100985, MedGen C1866855, MONDO:0008438, OMIM 182601.

Submission:

MGZ Medical Genetics Center
Classification: Uncertain significance for Hereditary spastic paraplegia 4. Last evaluated: 2021-12-07. Review status: criteria provided, single submitter. Criteria: ACMG Guidelines, 2015. Collection method: clinical testing. Allele origin: germline. Affected: yes. Observed: 1 variant allele.
Comment: ACMG criteria applied: PM1, PM2_SUP, PP2

NM_014946.4(SPAST):c.1739T>A (p.Ile580Asn)

Gene: SPAST (spastin; plus strand). Cytogenetic location: 2p22.3.
Variant type: single nucleotide variant.
Coding change: c.1739T>A on transcript NM_014946.4 (MANE Select); coding-DNA position 1739, T replaced by A.
Protein change: p.Ile580Asn; replaces isoleucine 580 with asparagine.
Molecular consequence: missense variant. On other transcripts: 3 prime UTR variant (1).
Genome position (GRCh38, 1-based): chr2:32,154,384, T>A. VCF-style: chr2-32154384-T-A. GRCh37 (hg19) VCF-style: chr2-32379453-T-A.
Other names: c.1736T>A, p.Ile579Asn (NM_001363823.2); c.1640T>A, p.Ile547Asn (NM_001363875.2); c.*12T>A (NM_001377959.1); c.1643T>A, p.Ile548Asn (NM_199436.2); short protein forms I547N, I548N, I579N, I580N.
Identifiers: ClinVar variation 1709018 (VCV001709018.2), dbSNP rs1553321202, ClinGen allele CA346505536.